The following is an entry in ClinVar:

NM_020719.3(PRR12):c.3175C>T (p.Leu1059Phe)

Gene: PRR12 (proline rich 12; plus strand). Cytogenetic location: 19q13.33.
Variant type: single nucleotide variant.
Coding change: c.3175C>T on transcript NM_020719.3 (MANE Select); coding-DNA position 3175, C replaced by T.
Protein change: p.Leu1059Phe; replaces leucine 1059 with phenylalanine.
Molecular consequence: missense variant.
Genome position (GRCh38, 1-based): chr19:49,597,510, C>T. VCF-style: chr19-49597510-C-T. GRCh37 (hg19) VCF-style: chr19-50100767-C-T.
Other names: short protein forms L1059F.
Identifiers: ClinVar variation 3034240 (VCV003034240.2), dbSNP rs199914140, ClinGen allele CA9578246.

ClinVar aggregate classification (germline): Likely benign (0 of 4 stars; one submission).

Conditions:
PRR12-related disorder. Also called: PRR12-related condition.

Allele frequency attached by ClinVar (database versions not stated): ExAC 0.00026; gnomAD 0.00058; ESP Exome Variant Server 0.00060; TOPMed 0.00060; 1000 Genomes Project 30x 0.00078; 1000 Genomes Project 0.00080.
gnomAD v4.1: 180 of 1,555,338 alleles (0.012%); highest among the groups gnomAD compares: African/African-American, 0.21%; no homozygotes.

Submission:

PreventionGenetics, part of Exact Sciences
Classification: Likely benign for PRR12-related condition. Last evaluated: 2020-11-17. Review status: no assertion criteria provided. Collection method: clinical testing. Allele origin: germline.
Comment: This variant is classified as likely benign based on ACMG/AMP sequence variant interpretation guidelines (Richards et al. 2015 PMID: 25741868, with internal and published modifications).